The following is an entry in ClinVar:

ClinVar aggregate classification (germline): Uncertain significance (1 of 4 stars; one submission).

Conditions:
Autosomal recessive limb-girdle muscular dystrophy type 2D (LGMDR3). Also called: DUCHENNE-LIKE AUTOSOMAL RECESSIVE MUSCULAR DYSTROPHY, TYPE 2; ADHALINOPATHY, PRIMARY; MUSCULAR DYSTROPHY, LIMB-GIRDLE, AUTOSOMAL RECESSIVE 3. Identifiers: Orphanet 62, MedGen C2936332, MONDO:0011968, OMIM 608099. Disease mechanism: Affects gamma-sarcoglycan and also disrupts the integrity of the entire sarcoglycan complex..

Submission:

Broad Center for Mendelian Genomics, Broad Institute of MIT and Harvard
Classification: Uncertain significance for Autosomal recessive limb-girdle muscular dystrophy type 2D. Last evaluated: 2023-08-24. Review status: criteria provided, single submitter. Criteria: ACMG/ClinGen CNV Guidelines, 2019. Collection method: research. Allele origin: unknown. Inheritance: Autosomal recessive inheritance. Affected: yes.
Comment: A homozygous deletion of part of exon 6 and all of exon 7 in SGCA (NM_000023.4) was identified by exome sequencing and confirmed by genome sequencing in one individual with limb-girdle muscular dystrophy ([GRCh 38] chr17:50169242_50170421x0)(PMID: 32528171). Inheritance information is unavailable. The patient phenotype is nonspecific, but is consistent with cases described in the literature and/or published databases with overlapping variants. Computational tools predict a splicing impact, though this information is not predictive enough to determine pathogenicity. This variant is predicted to cause exon skipping of exons 6 and 7, which are in-frame, and therefore is more likely to escape nonsense mediated decay (NMD) and result in a truncated protein. Loss of function of SGCA is an established disease mechanism in autosomal recessive limb-girdle muscular dystrophy. In summary, the clinical significance of the deletion is uncertain. The ACMG/ClinGen evidence codes and points used in this curation are as follows: 1: 0 points, 2: 0.45 points, 3: 0 points, 4-5: 0.15 points; Total: 0.60 points; Riggs 2020 (PMID: 31690835).

Literature cited by the submitters: PubMed 32528171.

GRCh38/hg38 17q21.33(chr17:50169242-50170421)x0

Gene: SGCA (sarcoglycan alpha; plus strand). Cytogenetic location: 17q21.33.
Variant type: copy number loss.
Change: copy number 0 (both copies lost) of chr17:50,169,242-50,170,421 (1.2 kb, GRCh38 coordinates, 1-based), cytogenetic band 17q21.33.
Identifiers: ClinVar variation 2579213 (VCV002579213.1).